The following is an entry in ClinVar:

ClinVar aggregate classification (germline): Uncertain significance. Review status: criteria provided, multiple submitters, no conflicts (2 of 4 stars). 2 submissions from 2 submitters: Uncertain significance (2). Last evaluated 2024-03-28.

Conditions:
Familial acute necrotizing encephalopathy (IIAE3). Also called: ENCEPHALOPATHY, ACUTE, INFECTION-INDUCED, SUSCEPTIBILITY TO, 3; Susceptibility to Acute Necrotizing Encephalopathy 1. Identifiers: Orphanet 88619, MedGen C2675556, MONDO:0011953, OMIM 608033.

Allele frequency attached by ClinVar (database versions not stated): gnomAD exomes below 0.00001; ExAC 0.00001; gnomAD 0.00001; 1000 Genomes Project 30x 0.00016; 1000 Genomes Project 0.00020.
gnomAD v4.1: 5 of 1,614,136 alleles (0.00031%); highest among the groups gnomAD compares: Middle Eastern, 0.016%; no homozygotes.

Submissions (2):

Ambry Genetics
Classification: Uncertain significance. Last evaluated: 2024-03-28. Review status: criteria provided, single submitter. Criteria: Ambry Variant Classification Scheme 2023. Collection method: clinical testing. Allele origin: germline.

Labcorp Genetics (formerly Invitae), Labcorp
Classification: Uncertain significance for Familial acute necrotizing encephalopathy. Last evaluated: 2022-12-02. Review status: criteria provided, single submitter. Criteria: Invitae Variant Classification Sherloc (09022015). Collection method: clinical testing. Allele origin: germline.
Comment: In summary, the available evidence is currently insufficient to determine the role of this variant in disease. Therefore, it has been classified as a Variant of Uncertain Significance. Algorithms developed to predict the effect of missense changes on protein structure and function (SIFT, PolyPhen-2, Align-GVGD) all suggest that this variant is likely to be disruptive. ClinVar contains an entry for this variant (Variation ID: 1060949). This variant has not been reported in the literature in individuals affected with RANBP2-related conditions. This variant is present in population databases (rs532940205, gnomAD 0.003%). This sequence change replaces arginine, which is basic and polar, with glutamine, which is neutral and polar, at codon 3079 of the RANBP2 protein (p.Arg3079Gln).

NM_006267.5(RANBP2):c.9236G>A (p.Arg3079Gln)

Gene: RANBP2 (RAN binding protein 2; plus strand). Cytogenetic location: 2q13.
Variant type: single nucleotide variant.
Coding change: c.9236G>A on transcript NM_006267.5 (MANE Select); coding-DNA position 9236, G replaced by A.
Protein change: p.Arg3079Gln; replaces arginine 3079 with glutamine.
Molecular consequence: missense variant.
Genome position (GRCh38, 1-based): chr2:108,782,729, G>A. VCF-style: chr2-108782729-G-A. GRCh37 (hg19) VCF-style: chr2-109399185-G-A.
Other names: c.9236G>A (NM_006267.4); short protein forms R3079Q.
Identifiers: ClinVar variation 1060949 (VCV001060949.11), dbSNP rs532940205, ClinGen allele CA1823989.